The following is an entry in ClinVar:

ClinVar aggregate classification (germline): Pathogenic/Likely pathogenic. Review status: criteria provided, multiple submitters, no conflicts (2 of 4 stars). 3 submissions from 3 submitters: Pathogenic (1); Likely pathogenic (2). Last evaluated 2026-07-02.

Conditions:
BBS10-related disorder. Also called: BBS10-related condition.
Bardet-Biedl syndrome 10 (BBS10). Identifiers: Orphanet 110, MedGen C1859568, MONDO:0014438, OMIM 615987.
Bardet-Biedl syndrome (BBS). Identifiers: Orphanet 110, MedGen C0752166, MONDO:0015229.

Submissions (3):

PreventionGenetics, part of Exact Sciences
Classification: Likely pathogenic for BBS10-related condition. Last evaluated: 2026-07-02. Review status: criteria provided, single submitter. Criteria: ACMG Guidelines, 2015. Collection method: clinical testing. Allele origin: germline.
Comment: The BBS10 c.1452_1455delAACA variant is predicted to result in a frameshift and premature protein termination (p.Gln484Hisfs*3). To our knowledge, this variant has not been previously reported in the literature. This variant has not been reported in a large population database (gnomAD), indicating this variant is rare. Frameshift variants in BBS10 are expected to be pathogenic. This variant is interpreted as likely pathogenic.

Natera, Inc.
Classification: Likely pathogenic for Bardet-Biedl syndrome type 10. Last evaluated: 2025-05-29. Review status: criteria provided, single submitter. Criteria: Natera Variant Classification Schema (03/2026). Collection method: clinical testing. Allele origin: germline.
Comment: The c.1452_1455delAACA variant in BBS10 is a frameshift variant predicted to shift the reading frame beginning at codon 484 and leads to a stop codon 3 codons downstream. This variant is expected to result in nonsense mediated decay, truncation, or a dysfunctional protein product. This variant is rare in the general population with a frequency below the threshold expected for the associated phenotype(s). Given the available evidence, this variant is classified as Likely Pathogenic.

Labcorp Genetics (formerly Invitae), Labcorp
Classification: Pathogenic for Bardet-Biedl syndrome. Last evaluated: 2024-03-02. Review status: criteria provided, single submitter. Criteria: Invitae Variant Classification Sherloc (09022015). Collection method: clinical testing. Allele origin: germline.
Comment: This sequence change creates a premature translational stop signal (p.Gln484Hisfs*3) in the BBS10 gene. While this is not anticipated to result in nonsense mediated decay, it is expected to disrupt the last 240 amino acid(s) of the BBS10 protein. This variant is not present in population databases (gnomAD no frequency). This premature translational stop signal has been observed in individual(s) with Bardet-Biedl syndrome (Invitae). ClinVar contains an entry for this variant (Variation ID: 571128). This variant disrupts a region of the BBS10 protein in which other variant(s) (p.Gly677Valfs*5, p.Val707*) have been determined to be pathogenic (PMID: 20472660, 22773737, 25982971, 27486776). This suggests that this is a clinically significant region of the protein, and that variants that disrupt it are likely to be disease-causing. For these reasons, this variant has been classified as Pathogenic.

Literature cited by the submitters: PubMed 20472660 (cited by Labcorp Genetics (formerly Invitae), Labcorp); PubMed 22773737 (cited by Labcorp Genetics (formerly Invitae), Labcorp); PubMed 25982971 (cited by Labcorp Genetics (formerly Invitae), Labcorp); PubMed 27486776 (cited by Labcorp Genetics (formerly Invitae), Labcorp).

NM_024685.4(BBS10):c.1452_1455del (p.Gln484fs)

Gene: BBS10 (Bardet-Biedl syndrome 10; minus strand). Cytogenetic location: 12q21.2.
Variant type: Deletion.
Coding change: c.1452_1455del on transcript NM_024685.4 (MANE Select); coding-DNA positions 1452 to 1455, 4 bases deleted (AACA; older notation c.1452_1455delAACA).
Protein change: p.Gln484fs; shifts the reading frame from glutamine 484.
Molecular consequence: frameshift variant.
Genome position (GRCh38, 1-based): chr12:76,346,530-76,346,533, TGTT deleted on the plus strand (AACA on the coding strand, the reverse complement: BBS10 is on the minus strand); deleting any 4 consecutive bases within chr12:76,346,530-76,346,535 gives the same sequence; the c. name uses the placement nearest the transcript's 3' end. VCF-style (leftmost placement, unchanged base first): chr12-76346529-ATGTT-A. GRCh37 (hg19) VCF-style: chr12-76740309-ATGTT-A.
Other names: c.1452_1455del, p.Gln484fs (LRG_1255t1); short protein forms Q484fs.
Identifiers: ClinVar variation 571128 (VCV000571128.8), dbSNP rs1565809597, ClinGen allele CA891843506.